The following is an entry in ClinVar:

ClinVar aggregate classification (germline): Uncertain significance. Review status: criteria provided, multiple submitters, no conflicts (2 of 4 stars). 3 submissions from 3 submitters: Uncertain significance (3). Last evaluated 2024-02-05.

Conditions:
Dilated cardiomyopathy 1G (CMD1G). Identifiers: Orphanet 154, MedGen C1858763, MONDO:0011400, OMIM 604145.
Autosomal recessive limb-girdle muscular dystrophy type 2J (LGMDR10). Also called: MUSCULAR DYSTROPHY, LIMB-GIRDLE, AUTOSOMAL RECESSIVE 10; Limb-girdle muscular dystrophy, type 2J. Identifiers: Orphanet 140922, MedGen C1837342, MONDO:0012127, OMIM 608807.

Allele frequency attached by ClinVar (database versions not stated): gnomAD below 0.00001 and 0.00002; TOPMed below 0.00001; gnomAD exomes 0.00002 and 0.00004; ExAC 0.00006; 1000 Genomes Project 30x 0.00031; 1000 Genomes Project 0.00040.
gnomAD v4.1: 28 of 1,613,470 alleles (0.0017%); highest among the groups gnomAD compares: South Asian, 0.03%; no homozygotes.

Submissions (3):

Revvity Omics, Revvity
Classification: Uncertain significance. Last evaluated: 2024-02-05. Review status: criteria provided, single submitter. Criteria: ACMG Guidelines, 2015. Collection method: clinical testing. Allele origin: germline.

Labcorp Genetics (formerly Invitae), Labcorp
Classification: Uncertain significance for Dilated cardiomyopathy 1G; Autosomal recessive limb-girdle muscular dystrophy type 2J. Last evaluated: 2016-08-30. Review status: criteria provided, single submitter. Criteria: Invitae Variant Classification Sherloc (09022015). Collection method: clinical testing. Allele origin: germline.

GeneDx
Classification: Uncertain significance. Last evaluated: 2014-02-17. Review status: criteria provided, single submitter. Criteria: GeneDx Variant Classification (06012015). Collection method: clinical testing. Allele origin: germline. Affected: yes.
Comment: Missense variants in the TTN gene are considered 'unclassified' if they are not previously reported in the literature and do not have >1% frequency in the population to be considered a polymorphism. Research indicates that truncating mutations in the TTN gene are expected to account for approximately 25% of familial and 18% of sporadic idiopathic DCM; however, truncating variants in the TTN gene have been reported in approximately 3% of reported control alleles. There has been little investigation into non-truncating variants. (Herman D et al. Truncations of titin causing dilated cardiomyopathy. N Eng J Med 366:619-628, 2012) The variant is found in DCM-CRDM panel(s).

NM_001267550.2(TTN):c.20707A>G (p.Ile6903Val)

Gene: TTN (titin; minus strand). Cytogenetic location: 2q31.2.
Variant type: single nucleotide variant.
Coding change: c.20707A>G on transcript NM_001267550.2 (MANE Select); coding-DNA position 20707, A replaced by G.
Protein change: p.Ile6903Val; replaces isoleucine 6903 with valine.
Molecular consequence: missense variant. On other transcripts: intron variant (3).
Genome position (GRCh38, 1-based): chr2:178,725,497, T>C on the plus strand (A>G on the coding strand, the complement: TTN is on the minus strand). VCF-style: chr2-178725497-T-C. GRCh37 (hg19) VCF-style: chr2-179590224-T-C.
Other names: p.I6586V:ATT>GTT; c.19756A>G, p.Ile6586Val (NM_001256850.1); c.16975A>G, p.Ile5659Val (NM_133378.4); c.13282+12585A>G (NM_003319.4); c.13858+12585A>G (NM_133437.4); c.13657+12585A>G (NM_133432.3); short protein forms I6586V, I6903V, I5659V.
Identifiers: ClinVar variation 203290 (VCV000203290.5), dbSNP rs571675433, ClinGen allele CA311936.